The following is an entry in ClinVar:

ClinVar aggregate classification (germline): Uncertain significance. Review status: criteria provided, multiple submitters, no conflicts (2 of 4 stars). 2 submissions from 2 submitters: Uncertain significance (2). Last evaluated 2025-12-03.

Conditions:
Hereditary cancer-predisposing syndrome. Also called: Hereditary neoplastic syndrome; Tumor predisposition; Neoplastic Syndromes, Hereditary; Hereditary Cancer Syndrome. Identifiers: Orphanet 140162, MedGen C0027672, MeSH D009386, MONDO:0015356.
Neuroblastoma, susceptibility to, 3. Also called: ALK-Related Neuroblastic Tumor Susceptibility. Identifiers: Orphanet 635, MedGen C2751681, MONDO:0013083, OMIM 613014.

Submissions (2):

Ambry Genetics
Classification: Uncertain significance for Hereditary cancer-predisposing syndrome. Last evaluated: 2025-12-03. Review status: criteria provided, single submitter. Criteria: Ambry Variant Classification Scheme 2023. Collection method: clinical testing. Allele origin: germline.
Comment: The p.T346I variant (also known as c.1037C>T), located in coding exon 4 of the ALK gene, results from a C to T substitution at nucleotide position 1037. The threonine at codon 346 is replaced by isoleucine, an amino acid with similar properties. This amino acid position is conserved. In addition, this alteration is predicted to be tolerated by in silico analysis. Based on the available evidence, the clinical significance of this variant remains unclear.

Labcorp Genetics (formerly Invitae), Labcorp
Classification: Uncertain significance for Neuroblastoma, susceptibility to, 3. Last evaluated: 2022-07-06. Review status: criteria provided, single submitter. Criteria: Invitae Variant Classification Sherloc (09022015). Collection method: clinical testing. Allele origin: germline.
Comment: In summary, the available evidence is currently insufficient to determine the role of this variant in disease. Therefore, it has been classified as a Variant of Uncertain Significance. Algorithms developed to predict the effect of missense changes on protein structure and function are either unavailable or do not agree on the potential impact of this missense change (SIFT: "Deleterious"; PolyPhen-2: "Benign"; Align-GVGD: "Class C0"). ClinVar contains an entry for this variant (Variation ID: 1471752). This variant has not been reported in the literature in individuals affected with ALK-related conditions. This variant is not present in population databases (gnomAD no frequency). This sequence change replaces threonine, which is neutral and polar, with isoleucine, which is neutral and non-polar, at codon 346 of the ALK protein (p.Thr346Ile).

NM_004304.5(ALK):c.1037C>T (p.Thr346Ile)

Gene: ALK (ALK receptor tyrosine kinase; minus strand). Cytogenetic location: 2p23.2.
Variant type: single nucleotide variant.
Coding change: c.1037C>T on transcript NM_004304.5 (MANE Select); coding-DNA position 1037, C replaced by T.
Protein change: p.Thr346Ile; replaces threonine 346 with isoleucine.
Molecular consequence: missense variant.
Genome position (GRCh38, 1-based): chr2:29,532,032, G>A on the plus strand (C>T on the coding strand, the complement: ALK is on the minus strand). VCF-style: chr2-29532032-G-A. GRCh37 (hg19) VCF-style: chr2-29754898-G-A.
Other names: c.1037C>T (NM_004304.4); short protein forms T346I.
Identifiers: ClinVar variation 1471752 (VCV001471752.7), dbSNP rs981203904, ClinGen allele CA44957095.